The following is an entry in ClinVar:

NM_000032.5(ALAS2):c.1342C>G (p.Arg448Gly)

Gene: ALAS2 (5'-aminolevulinate synthase 2; minus strand). Cytogenetic location: Xp11.21.
Variant type: single nucleotide variant.
Coding change: c.1342C>G on transcript NM_000032.5 (MANE Select); coding-DNA position 1342, C replaced by G.
Protein change: p.Arg448Gly; replaces arginine 448 with glycine.
Molecular consequence: missense variant.
Genome position (GRCh38, 1-based): chrX:55,014,842, G>C on the plus strand (C>G on the coding strand, the complement: ALAS2 is on the minus strand). VCF-style: chrX-55014842-G-C. GRCh37 (hg19) VCF-style: chrX-55041275-G-C.
Other names: c.1231C>G, p.Arg411Gly (NM_001037967.4); c.1303C>G, p.Arg435Gly (NM_001037968.4); short protein forms R411G, R435G, R448G.
Identifiers: ClinVar variation 4539051 (VCV004539051.1).

ClinVar aggregate classification (germline): Likely pathogenic (1 of 4 stars; one submission).

Submission:

Center for Genomic Medicine, Rigshospitalet, Copenhagen University Hospital
Classification: Likely pathogenic. Last evaluated: 2025-12-29. Review status: criteria provided, single submitter. Criteria: ACMG Guidelines, 2015. Collection method: clinical testing. Allele origin: germline.
Comment: Classification criteria: PM2_Supporting,\nPP3, \nPP4_Strong,\nPS4_moderate \n

Literature cited by the submitters: PubMed 16121195; PubMed 32605921.